The following is an entry in ClinVar:

ClinVar aggregate classification (germline): Benign/Likely benign. Review status: criteria provided, multiple submitters, no conflicts (2 of 4 stars). 3 submissions from 3 submitters: Benign (1); Likely benign (2). Last evaluated 2024-03-11.

Conditions:
Familial adenomatous polyposis 1 (FAP1). Also called: POLYPOSIS, ADENOMATOUS INTESTINAL; FAMILIAL ADENOMATOUS POLYPOSIS 1, ATTENUATED. Identifiers: MedGen C2713442, MONDO:0021056, OMIM 175100. Disease mechanism: loss of function.
Hereditary cancer-predisposing syndrome. Also called: Tumor predisposition; Neoplastic Syndromes, Hereditary; Hereditary Cancer Syndrome; Hereditary neoplastic syndrome. Identifiers: Orphanet 140162, MedGen C0027672, MeSH D009386, MONDO:0015356.

gnomAD v4.1: 1 of 1,614,040 alleles (0.000062%); highest among the groups gnomAD compares: South Asian, 0.0011%; no homozygotes.

Submissions (3):

Myriad Genetics, Inc.
Classification: Benign for Familial adenomatous polyposis 1. Last evaluated: 2024-03-11. Review status: criteria provided, single submitter. Criteria: Myriad Autosomal Dominant, Autosomal Recessive and X-Linked Classification Criteria (2023). Collection method: clinical testing. Allele origin: unknown.
Comment: This variant is considered benign. This variant is a silent/synonymous amino acid change and it is not expected to impact splicing.

Labcorp Genetics (formerly Invitae), Labcorp
Classification: Likely benign for Familial adenomatous polyposis 1. Last evaluated: 2023-11-09. Review status: criteria provided, single submitter. Criteria: Invitae Variant Classification Sherloc (09022015). Collection method: clinical testing. Allele origin: germline.

Ambry Genetics
Classification: Likely benign for Hereditary cancer-predisposing syndrome. Last evaluated: 2022-01-14. Review status: criteria provided, single submitter. Criteria: Ambry Variant Classification Scheme 2023. Collection method: clinical testing. Allele origin: germline.

NM_000038.6(APC):c.2301G>A (p.Gln767=)

Gene: APC (APC regulator of Wnt signaling pathway; plus strand). Cytogenetic location: 5q22.2.
Variant type: single nucleotide variant.
Coding change: c.2301G>A on transcript NM_000038.6 (MANE Select); coding-DNA position 2301, G replaced by A.
Protein change: p.Gln767=; no amino-acid change (glutamine 767 retained).
Molecular consequence: synonymous variant.
Genome position (GRCh38, 1-based): chr5:112,837,895, G>A. VCF-style: chr5-112837895-G-A. GRCh37 (hg19) VCF-style: chr5-112173592-G-A.
Other names: c.2301G>A, p.Gln767= (NM_001127510.3, NM_001354895.2); c.2247G>A, p.Gln749= (NM_001127511.3); c.2355G>A, p.Gln785= (NM_001354896.2); c.2331G>A, p.Gln777= (NM_001354897.2); c.2226G>A, p.Gln742= (NM_001354898.2); c.2217G>A, p.Gln739= (NM_001354899.2); c.2178G>A, p.Gln726= (NM_001354900.2); c.2124G>A, p.Gln708= (NM_001354901.2); and 5 more.
Identifiers: ClinVar variation 1161754 (VCV001161754.12), dbSNP rs2149865790, ClinGen allele CA445963338.